The following is an entry in ClinVar:

NM_002292.4(LAMB2):c.3109+1G>A

Gene: LAMB2 (laminin subunit beta 2; minus strand). Cytogenetic location: 3p21.31.
Variant type: single nucleotide variant.
Coding change: c.3109+1G>A on transcript NM_002292.4 (MANE Select); the canonical splice donor site of the intron after coding-DNA position 3109, G replaced by A.
Molecular consequence: splice donor variant.
Genome position (GRCh38, 1-based): chr3:49,124,700, C>T on the plus strand (G>A on the coding strand, the complement: LAMB2 is on the minus strand). VCF-style: chr3-49124700-C-T. GRCh37 (hg19) VCF-style: chr3-49162133-C-T.
Identifiers: ClinVar variation 1068372 (VCV001068372.6), dbSNP rs888830612, ClinGen allele CA74479941.

ClinVar aggregate classification (germline): Likely pathogenic. Review status: criteria provided, multiple submitters, no conflicts (2 of 4 stars). 2 submissions from 2 submitters: Likely pathogenic (2). Last evaluated 2025-01-27.

Conditions:
Pierson syndrome. Also called: MICROCORIA-CONGENITAL NEPHROTIC SYNDROME. Identifiers: Orphanet 2670, MedGen C1836876, MONDO:0012184, OMIM 609049.
LAMB2-related infantile-onset nephrotic syndrome. Also called: NEPHROTIC SYNDROME, TYPE 5, WITHOUT OCULAR ABNORMALITIES; NEPHROTIC SYNDROME, TYPE 5, WITH OCULAR ABNORMALITIES; Nephrotic Syndrome, type 5. Identifiers: Orphanet 306507, MedGen C3280113, MONDO:0013621, OMIM 614199.

Allele frequency attached by ClinVar (database versions not stated): gnomAD 0.00001; gnomAD exomes 0.00001; TOPMed 0.00001.
gnomAD v4.1: 13 of 1,614,052 alleles (0.00081%); highest among the groups gnomAD compares: Admixed American, 0.0033%; no homozygotes.

Submissions (2):

Labcorp Genetics (formerly Invitae), Labcorp
Classification: Likely pathogenic for LAMB2-related infantile-onset nephrotic syndrome; Pierson syndrome. Last evaluated: 2025-01-27. Review status: criteria provided, single submitter. Criteria: Invitae Variant Classification Sherloc (09022015). Collection method: clinical testing. Allele origin: germline.
Comment: This sequence change affects a donor splice site in intron 21 of the LAMB2 gene. It is expected to disrupt RNA splicing. Variants that disrupt the donor or acceptor splice site typically lead to a loss of protein function (PMID: 16199547), and loss-of-function variants in LAMB2 are known to be pathogenic (PMID: 15367484). This variant is present in population databases (no rsID available, gnomAD 0.003%). This variant has not been reported in the literature in individuals affected with LAMB2-related conditions. ClinVar contains an entry for this variant (Variation ID: 1068372). Algorithms developed to predict the effect of sequence changes on RNA splicing suggest that this variant may disrupt the consensus splice site. In summary, the currently available evidence indicates that the variant is pathogenic, but additional data are needed to prove that conclusively. Therefore, this variant has been classified as Likely Pathogenic.

Neuberg Centre For Genomic Medicine, NCGM
Classification: Likely pathogenic for Pierson syndrome. Review status: criteria provided, single submitter. Criteria: ACMG Guidelines, 2015. Collection method: clinical testing. Allele origin: germline. Inheritance: Autosomal recessive inheritance. Affected: yes.

Literature cited by the submitters: PubMed 16199547 (cited by Labcorp Genetics (formerly Invitae), Labcorp); PubMed 15367484 (cited by Labcorp Genetics (formerly Invitae), Labcorp).